The following is an entry in ClinVar:

NM_002474.3(MYH11):c.4659C>T (p.Asp1553=)

Genes: MYH11 (myosin heavy chain 11; minus strand), NDE1 (nudE neurodevelopment protein 1; plus strand). Cytogenetic location: 16p13.11.
Variant type: single nucleotide variant.
Coding change: c.4659C>T on transcript NM_002474.3 (MANE Select); coding-DNA position 4659, C replaced by T.
Protein change: p.Asp1553=; no amino-acid change (aspartic acid 1553 retained).
Molecular consequence: synonymous variant. On other transcripts: intron variant (2).
Genome position (GRCh38, 1-based): chr16:15,720,971, G>A on the plus strand (C>T on the coding strand, the complement: MYH11 is on the minus strand). VCF-style: chr16-15720971-G-A. GRCh37 (hg19) VCF-style: chr16-15814828-G-A.
Other names: c.4680C>T, p.Asp1560= (NM_001040113.2, NM_001040114.2); c.4659C>T, p.Asp1553= (NM_022844.3); c.948-3220G>A (NM_001143979.2, NM_017668.3).
Identifiers: ClinVar variation 386837 (VCV000386837.42), dbSNP rs141031021, ClinGen allele CA7921595.

ClinVar aggregate classification (germline): Likely benign. Review status: criteria provided, multiple submitters, no conflicts (2 of 4 stars). 8 submissions from 8 submitters: Likely benign (7). 1 of the submissions does not count toward it. Last evaluated 2025-12-15.

Conditions:
MYH11-related disorder. Also called: MYH11-related condition.
Aortic aneurysm, familial thoracic 4 (AAT4). Also called: AORTIC ANEURYSM/AORTIC DISSECTION AND PATENT DUCTUS ARTERIOSUS. Identifiers: MedGen C1851504, MONDO:0007568, OMIM 132900.
Familial thoracic aortic aneurysm and aortic dissection (TAAD). Also called: Thoracic aortic aneurysms and dissections. Identifiers: Orphanet 91387, MedGen C4707243, MONDO:0019625.

Allele frequency attached by ClinVar (database versions not stated): TOPMed 0.00009; ESP Exome Variant Server 0.00015; gnomAD 0.00016; 1000 Genomes Project 30x 0.00078; 1000 Genomes Project 0.00100.
gnomAD v4.1: 225 of 1,614,072 alleles (0.014%); highest among the groups gnomAD compares: African/African-American, 0.093%; 2 homozygotes.

Submissions (8):

Labcorp Genetics (formerly Invitae), Labcorp
Classification: Likely benign for Aortic aneurysm, familial thoracic 4. Last evaluated: 2025-12-15. Review status: criteria provided, single submitter. Criteria: Invitae Variant Classification Sherloc (09022015). Collection method: clinical testing. Allele origin: germline.

Blueprint Genetics
Classification: Likely benign. Last evaluated: 2024-07-18. Review status: criteria provided, single submitter. Criteria: ACMG Guidelines, 2015. Collection method: clinical testing. Allele origin: germline.

All of Us Research Program, National Institutes of Health
Classification: Likely benign for Familial thoracic aortic aneurysm and aortic dissection. Last evaluated: 2023-12-14. Review status: criteria provided, single submitter. Criteria: ACMG Guidelines, 2015. Collection method: clinical testing. Allele origin: germline. Inheritance: Autosomal dominant inheritance. Observed: 14 variant alleles, 14 heterozygotes.
Comment: This study involves interpretation of variants in research participants for the purpose of population health screening. Participant phenotype was not available at the time of variant classification. Additional details can be found in publication PMID: 35346344, PMCID: PMC8962531

CeGaT Center for Human Genetics Tuebingen
Classification: Likely benign. Last evaluated: 2023-09-01. Review status: criteria provided, single submitter. Criteria: CeGaT Center For Human Genetics Tuebingen Variant Classification Criteria Version 2. Collection method: clinical testing. Allele origin: germline. Affected: yes. Observed: 2 variant alleles.
Comment: MYH11: BP4, BP7

Ambry Genetics
Classification: Likely benign for Familial thoracic aortic aneurysm and aortic dissection. Last evaluated: 2021-01-11. Review status: criteria provided, single submitter. Criteria: Ambry Variant Classification Scheme 2023. Collection method: clinical testing. Allele origin: germline.

Color Diagnostics, LLC DBA Color Health
Classification: Likely benign for Familial thoracic aortic aneurysm and aortic dissection. Last evaluated: 2018-10-16. Review status: criteria provided, single submitter. Criteria: ACMG Guidelines, 2015. Collection method: clinical testing. Allele origin: germline.

GeneDx
Classification: Likely benign. Last evaluated: 2016-06-13. Review status: criteria provided, single submitter. Criteria: GeneDx Variant Classification (06012015). Collection method: clinical testing. Allele origin: germline. Affected: yes.
Comment: This variant is considered likely benign or benign based on one or more of the following criteria: it is a conservative change, it occurs at a poorly conserved position in the protein, it is predicted to be benign by multiple in silico algorithms, and/or has population frequency not consistent with disease.

PreventionGenetics, part of Exact Sciences
Classification: Likely benign for MYH11-related condition. Last evaluated: 2022-05-11. Review status: no assertion criteria provided. Collection method: clinical testing. Allele origin: germline. Not counted in ClinVar's aggregate classification.
Comment: This variant is classified as likely benign based on ACMG/AMP sequence variant interpretation guidelines (Richards et al. 2015 PMID: 25741868, with internal and published modifications).